The following is an entry in ClinVar:

NM_001370259.2(MEN1):c.1044C>G (p.Ile348Met)

Gene: MEN1 (menin 1; minus strand). Cytogenetic location: 11q13.1.
Variant type: single nucleotide variant.
Coding change: c.1044C>G on transcript NM_001370259.2 (MANE Select); coding-DNA position 1044, C replaced by G.
Protein change: p.Ile348Met; replaces isoleucine 348 with methionine.
Molecular consequence: missense variant. On other transcripts: non-coding transcript variant (4).
Genome position (GRCh38, 1-based): chr11:64,806,237, G>C on the plus strand (C>G on the coding strand, the complement: MEN1 is on the minus strand). VCF-style: chr11-64806237-G-C. GRCh37 (hg19) VCF-style: chr11-64573709-G-C.
Other names: c.1044C>G, p.Ile348Met (NM_001370260.2, NM_001370261.2, NM_001407142.1 and 7 more transcripts); c.939C>G, p.Ile313Met (NM_001370262.2, NM_001370263.2, NM_001407148.1 and 2 more transcripts); c.1059C>G, p.Ile353Met (NM_001407145.1, NM_130801.3, NM_130802.3 and 5 more transcripts); short protein forms I313M, I348M, I353M.
Identifiers: ClinVar variation 3074883 (VCV003074883.2), dbSNP rs2497171873, ClinGen allele CA381183161.

ClinVar aggregate classification (germline): Uncertain significance. Review status: criteria provided, multiple submitters, no conflicts (2 of 4 stars). 2 submissions from 2 submitters: Uncertain significance (2). Last evaluated 2025-04-23.

Conditions:
Multiple endocrine neoplasia, type 1 (MEN1). Also called: MEN I; WERMER SYNDROME; Endocrine adenomatosis multiple; MEN 1; MEA I. Identifiers: Orphanet 652, MedGen C0025267, MeSH D018761, MONDO:0007540, OMIM 131100.
Hereditary cancer-predisposing syndrome. Also called: Hereditary neoplastic syndrome; Neoplastic Syndromes, Hereditary; Tumor predisposition; Hereditary Cancer Syndrome. Identifiers: Orphanet 140162, MedGen C0027672, MeSH D009386, MONDO:0015356.

Submissions (2):

Ambry Genetics
Classification: Uncertain significance for Hereditary cancer-predisposing syndrome. Last evaluated: 2025-04-23. Review status: criteria provided, single submitter. Criteria: Ambry Variant Classification Scheme 2023. Collection method: clinical testing. Allele origin: germline.
Comment: The p.I348M variant (also known as c.1044C>G), located in coding exon 6 of the MEN1 gene, results from a C to G substitution at nucleotide position 1044. The isoleucine at codon 348 is replaced by methionine, an amino acid with highly similar properties. This amino acid position is not well conserved in available vertebrate species. In addition, the in silico prediction for this alteration is inconclusive. Based on the available evidence, the clinical significance of this variant remains unclear.

All of Us Research Program, National Institutes of Health
Classification: Uncertain significance for Multiple endocrine neoplasia, type 1. Last evaluated: 2023-12-13. Review status: criteria provided, single submitter. Criteria: ACMG Guidelines, 2015. Collection method: clinical testing. Allele origin: germline. Inheritance: Autosomal dominant inheritance. Observed: 1 variant allele, 1 heterozygote.
Comment: This missense variant replaces isoleucine with methionine at codon 348 of the MEN1 protein. Computational prediction is inconclusive regarding the impact of this variant on protein structure and function (internally defined REVEL score threshold 0.5 < inconclusive < 0.7, PMID: 27666373). To our knowledge, functional studies have not been reported for this variant. This variant has not been reported in individuals affected with MEN1-related disorders in the literature. This variant has not been identified in the general population by the Genome Aggregation Database (gnomAD). The available evidence is insufficient to determine the role of this variant in disease conclusively. Therefore, this variant is classified as a Variant of Uncertain Significance.

This study involves interpretation of variants in research participants for the purpose of population health screening. Participant phenotype was not available at the time of variant classification. Additional details can be found in publication PMID: 35346344, PMCID: PMC8962531